The following is an entry in ClinVar:

ClinVar aggregate classification (germline): Uncertain significance (1 of 4 stars; one submission).

Allele frequency attached by ClinVar (database versions not stated): gnomAD 0.00001; gnomAD exomes 0.00001 and 0.00002.
gnomAD v4.1: 11 of 1,613,436 alleles (0.00068%); highest among the groups gnomAD compares: South Asian, 0.0077%; no homozygotes.

Submission:

Labcorp Genetics (formerly Invitae), Labcorp
Classification: Uncertain significance. Last evaluated: 2022-10-17. Review status: criteria provided, single submitter. Criteria: Invitae Variant Classification Sherloc (09022015). Collection method: clinical testing. Allele origin: germline.
Comment: This sequence change replaces isoleucine, which is neutral and non-polar, with valine, which is neutral and non-polar, at codon 89 of the RBP3 protein (p.Ile89Val). This variant is present in population databases (rs782765523, gnomAD 0.006%). This variant has not been reported in the literature in individuals affected with RBP3-related conditions. ClinVar contains an entry for this variant (Variation ID: 1507987). Algorithms developed to predict the effect of missense changes on protein structure and function are either unavailable or do not agree on the potential impact of this missense change (SIFT: "Tolerated"; PolyPhen-2: "Possibly Damaging"; Align-GVGD: "Class C0"). In summary, the available evidence is currently insufficient to determine the role of this variant in disease. Therefore, it has been classified as a Variant of Uncertain Significance.

NM_002900.3(RBP3):c.265A>G (p.Ile89Val)

Gene: RBP3 (retinol binding protein 3; plus strand). Cytogenetic location: 10q11.22.
Variant type: single nucleotide variant.
Coding change: c.265A>G on transcript NM_002900.3 (MANE Select); coding-DNA position 265, A replaced by G.
Protein change: p.Ile89Val; replaces isoleucine 89 with valine.
Molecular consequence: missense variant.
Genome position (GRCh38, 1-based): chr10:47,348,749, A>G. VCF-style: chr10-47348749-A-G. GRCh37 (hg19) VCF-style: chr10-48390613-T-C.
Other names: short protein forms I89V.
Identifiers: ClinVar variation 1507987 (VCV001507987.3), dbSNP rs782765523, ClinGen allele CA376664670.